The following is an entry in ClinVar:

ClinVar aggregate classification (germline): Conflicting classifications of pathogenicity. Review status: criteria provided, conflicting classifications (1 of 4 stars). 7 submissions from 7 submitters: Uncertain significance (4); Benign (1); Likely benign (2). Last evaluated 2025-10-08.

Conditions:
Hereditary nonpolyposis colorectal neoplasms. Identifiers: MedGen C0009405, MeSH D003123.
Hereditary cancer-predisposing syndrome. Also called: Hereditary Cancer Syndrome; Hereditary neoplastic syndrome; Neoplastic Syndromes, Hereditary; Tumor predisposition. Identifiers: Orphanet 140162, MedGen C0027672, MeSH D009386, MONDO:0015356.
Lynch syndrome. Identifiers: Orphanet 144, MedGen C4552100, MONDO:0005835. Disease mechanism: loss of function.
Lynch syndrome 5 (LYNCH5). Also called: Hereditary non-polyposis colorectal cancer, type 5; Colorectal cancer, hereditary nonpolyposis, type 5. Identifiers: Orphanet 144, MedGen C1833477, MONDO:0013710, OMIM 614350. Disease mechanism: loss of function.

Allele frequency attached by ClinVar (database versions not stated): gnomAD exomes below 0.00001.

Submissions (7):

Labcorp Genetics (formerly Invitae), Labcorp
Classification: Likely benign for Hereditary nonpolyposis colorectal neoplasms. Last evaluated: 2025-10-08. Review status: criteria provided, single submitter. Criteria: Invitae Variant Classification Sherloc (09022015). Collection method: clinical testing. Allele origin: germline.

Center for Genomic Medicine, Rigshospitalet, Copenhagen University Hospital
Classification: Likely benign. Last evaluated: 2025-03-04. Review status: criteria provided, single submitter. Criteria: ACMG Guidelines, 2015. Collection method: clinical testing. Allele origin: germline.

Myriad Genetics, Inc.
Classification: Benign for Lynch syndrome 5. Last evaluated: 2025-01-09. Review status: criteria provided, single submitter. Criteria: Myriad Autosomal Dominant, Autosomal Recessive and X-Linked Classification Criteria (2023). Collection method: clinical testing. Allele origin: unknown.
Comment: This variant is considered benign. This variant occurs in the non-coding 3' untranslated region of the gene, and is not expected to impact protein function.

All of Us Research Program, National Institutes of Health
Classification: Uncertain significance for Lynch syndrome. Last evaluated: 2024-04-25. Review status: criteria provided, single submitter. Criteria: ACMG Guidelines, 2015. Collection method: clinical testing. Allele origin: germline. Inheritance: Autosomal dominant inheritance. Observed: 1 variant allele, 1 heterozygote.
Comment: This variant inserts 17 nucleotides in the 3' untranslated region in exon 10 of the MSH6 gene. The insertion is located 4 basepairs after the reference termination codon, and it may be described as c.\*4_\*5insTAAGGAATTATAGACTG. This variant does not disrupt the coding region of the gene and it is not expected to impact the variant protein. To our knowledge, this variant has not been reported in individuals affected with MSH6-related disorders in the literature. This variant has not been identified in the general population by the Genome Aggregation Database (gnomAD). The available evidence is insufficient to determine the role of this variant in disease conclusively. Therefore, this variant is classified as a Variant of Uncertain Significance.

This study involves interpretation of variants in research participants for the purpose of population health screening. Participant phenotype was not available at the time of variant classification. Additional details can be found in publication PMID: 35346344, PMCID: PMC8962531

Color Diagnostics, LLC DBA Color Health
Classification: Uncertain significance for Hereditary cancer-predisposing syndrome. Last evaluated: 2024-04-11. Review status: criteria provided, single submitter. Criteria: ACMG Guidelines, 2015. Collection method: clinical testing. Allele origin: germline.
Comment: This variant inserts 17 nucleotides in the 3' untranslated region in exon 10 of the MSH6 gene. The insertion is located 4 basepairs after the reference termination codon, and it may be described as c.\\\\*4_\\\\*5insTAAGGAATTATAGACTG. This variant does not disrupt the coding region of the gene and it is not expected to impact the variant protein. To our knowledge, this variant has not been reported in individuals affected with MSH6-related disorders in the literature. This variant has not been identified in the general population by the Genome Aggregation Database (gnomAD). The available evidence is insufficient to determine the role of this variant in disease conclusively. Therefore, this variant is classified as a Variant of Uncertain Significance.

Quest Diagnostics Nichols Institute San Juan Capistrano
Classification: Uncertain significance. Last evaluated: 2021-07-27. Review status: criteria provided, single submitter. Criteria: Quest Diagnostics criteria. Collection method: clinical testing. Allele origin: unknown.

Ambry Genetics
Classification: Uncertain significance for Hereditary cancer-predisposing syndrome. Last evaluated: 2019-08-15. Review status: criteria provided, single submitter. Criteria: Ambry General Variant Classification Scheme_2022. Collection method: clinical testing. Allele origin: germline. Observed: 1 variant allele.
Comment: The c.4071_*4dup17 variant results from a duplication of 17 nucleotides at positions c.4071 to c.*4 at the 3' end of the MSH6 gene. This region is not well conserved in available vertebrate species. Since supporting evidence is limited at this time, the clinical significance of this alteration remains unclear.

NM_000179.3(MSH6):c.4071_*4dup (p.Ile1357_Ter1361=)

Gene: MSH6 (mutS homolog 6; plus strand). Cytogenetic location: 2p16.3.
Variant type: Duplication.
Coding change: c.4071_*4dup on transcript NM_000179.3 (MANE Select); coding-DNA position 4071 through 4 bases downstream of the stop codon, 17 bases duplicated (TAAGGAATTATAGACTG).
Protein change: p.Ile1357_Ter1361=.
Molecular consequence: no sequence alteration. On other transcripts: frameshift variant (1), 3 prime UTR variant (5), non-coding transcript variant (5).
Genome position (GRCh38, 1-based): chr2:47,806,848-47,806,864, TAAGGAATTATAGACTG duplicated. VCF-style (leftmost placement, unchanged base first): chr2-47806847-T-TTAAGGAATTATAGACTG. GRCh37 (hg19) VCF-style: chr2-48033986-T-TTAAGGAATTATAGACTG.
Other names: c.4071_*4dupTAAGGAATTATAGACTG (NM_000179.2); c.3681_*4dup, p.Ile1227_Ter1231= (NM_001281492.2); c.3165_*4dup, p.Ile1055_Ter1059= (NM_001281493.2, NM_001281494.2, NM_001406811.1 and 6 more transcripts); c.4167_*4dup, p.Ile1389_Ter1393= (NM_001406795.1); c.4071_*4dup, p.Ile1357_Ter1361= (NM_001406796.1, NM_001406809.1); c.3774_*4dup, p.Ile1258_Ter1262= (NM_001406797.1, NM_001406805.1, NM_001406818.1 and 8 more transcripts); c.3897_*4dup, p.Ile1299_Ter1303= (NM_001406798.1); c.3546_*4dup, p.Ile1182_Ter1186= (NM_001406799.1, NM_001406806.1, NM_001406807.1); and 10 more.
Identifiers: ClinVar variation 455319 (VCV000455319.23), dbSNP rs1491544951, ClinGen allele CA532705592.